The following is an entry in ClinVar:

NM_001903.5(CTNNA1):c.2334C>T (p.Ala778=)

Gene: CTNNA1 (catenin alpha 1; plus strand). Cytogenetic location: 5q31.2.
Variant type: single nucleotide variant.
Coding change: c.2334C>T on transcript NM_001903.5 (MANE Select); coding-DNA position 2334, C replaced by T.
Protein change: p.Ala778=; no amino-acid change (alanine 778 retained).
Molecular consequence: synonymous variant. On other transcripts: intron variant (1).
Genome position (GRCh38, 1-based): chr5:138,932,613, C>T. VCF-style: chr5-138932613-C-T. GRCh37 (hg19) VCF-style: chr5-138268302-C-T.
Other names: c.1224C>T, p.Ala408= (NM_001324000.1, NM_001324002.1, NM_001324003.1 and 16 more transcripts); c.1189-1189C>T (NM_001324001.1); c.885C>T, p.Ala295= (NM_001324006.1, NM_001324007.1, NM_001324008.1 and 2 more transcripts); c.981C>T, p.Ala327= (NM_001324012.1, NM_001324013.1); c.1131C>T, p.Ala377= (NM_001324011.1); c.2334C>T (NM_001903.2); c.2334C>T, p.Ala778= (NM_001290307.3, NM_001323982.2, NM_001323983.1 and 2 more transcripts); c.2025C>T, p.Ala675= (NM_001290309.3); and 2 more.
Identifiers: ClinVar variation 766449 (VCV000766449.12), dbSNP rs1580930021, ClinGen allele CA446598189.

ClinVar aggregate classification (germline): Benign/Likely benign. Review status: criteria provided, multiple submitters, no conflicts (2 of 4 stars). 3 submissions from 3 submitters: Benign (1); Likely benign (2). Last evaluated 2025-10-01.

Conditions:
Hereditary diffuse gastric adenocarcinoma (HDGC). Also called: DIFFUSE GASTRIC AND LOBULAR BREAST CANCER SYNDROME. Identifiers: Orphanet 26106, MedGen C1708349, MONDO:0007648, OMIM 137215.
Hereditary cancer-predisposing syndrome. Also called: Neoplastic Syndromes, Hereditary; Hereditary neoplastic syndrome; Tumor predisposition; Hereditary Cancer Syndrome. Identifiers: Orphanet 140162, MedGen C0027672, MeSH D009386, MONDO:0015356.

Allele frequency attached by ClinVar (database versions not stated): gnomAD exomes 0.00001.
gnomAD v4.1: 5 of 1,614,172 alleles (0.00031%); highest among the groups gnomAD compares: Non-Finnish European, 0.00042%; no homozygotes.

Submissions (3):

Labcorp Genetics (formerly Invitae), Labcorp
Classification: Likely benign. Last evaluated: 2025-10-01. Review status: criteria provided, single submitter. Criteria: Invitae Variant Classification Sherloc (09022015). Collection method: clinical testing. Allele origin: germline.

Myriad Genetics, Inc.
Classification: Benign for Hereditary diffuse gastric adenocarcinoma. Last evaluated: 2024-10-15. Review status: criteria provided, single submitter. Criteria: Myriad Autosomal Dominant, Autosomal Recessive and X-Linked Classification Criteria (2023). Collection method: clinical testing. Allele origin: unknown.
Comment: This variant is considered benign. This variant is a silent/synonymous amino acid change and it is not expected to impact splicing.

Ambry Genetics
Classification: Likely benign for Hereditary cancer-predisposing syndrome. Last evaluated: 2023-09-22. Review status: criteria provided, single submitter. Criteria: Ambry Variant Classification Scheme 2023. Collection method: clinical testing. Allele origin: germline.